The following is an entry in ClinVar:

NM_001367561.1(DOCK7):c.3532G>A (p.Val1178Met)

Gene: DOCK7 (dedicator of cytokinesis 7; minus strand). Cytogenetic location: 1p31.3.
Variant type: single nucleotide variant.
Coding change: c.3532G>A on transcript NM_001367561.1 (MANE Select); coding-DNA position 3532, G replaced by A.
Protein change: p.Val1178Met; replaces valine 1178 with methionine.
Molecular consequence: missense variant.
Genome position (GRCh38, 1-based): chr1:62,535,572, C>T on the plus strand (G>A on the coding strand, the complement: DOCK7 is on the minus strand). VCF-style: chr1-62535572-C-T. GRCh37 (hg19) VCF-style: chr1-63001243-C-T.
Other names: c.3532G>A, p.Val1178Met (NM_001271999.2, NM_001330614.2); c.3439G>A, p.Val1147Met (NM_001272000.2, NM_001272001.2, NM_033407.4); short protein forms V1147M, V1178M.
Identifiers: ClinVar variation 1418748 (VCV001418748.3), dbSNP rs555621934, ClinGen allele CA885962.

ClinVar aggregate classification (germline): Uncertain significance (1 of 4 stars; one submission).

Conditions:
Developmental and epileptic encephalopathy, 23 (DEE23). Also called: Epileptic encephalopathy, early infantile, 23. Identifiers: Orphanet 411986, MedGen C4014492, MONDO:0014371, OMIM 615859.

Allele frequency attached by ClinVar (database versions not stated): ExAC 0.00002; gnomAD exomes 0.00002; gnomAD 0.00003 and 0.00004; TOPMed 0.00003.
gnomAD v4.1: 29 of 1,613,816 alleles (0.0018%); highest among the groups gnomAD compares: Middle Eastern, 0.016%; no homozygotes.

Submission:

Labcorp Genetics (formerly Invitae), Labcorp
Classification: Uncertain significance for Developmental and epileptic encephalopathy, 23. Last evaluated: 2022-08-09. Review status: criteria provided, single submitter. Criteria: Invitae Variant Classification Sherloc (09022015). Collection method: clinical testing. Allele origin: germline.
Comment: This sequence change replaces valine, which is neutral and non-polar, with methionine, which is neutral and non-polar, at codon 1178 of the DOCK7 protein (p.Val1178Met). This variant is present in population databases (rs555621934, gnomAD 0.005%). This variant has not been reported in the literature in individuals affected with DOCK7-related conditions. ClinVar contains an entry for this variant (Variation ID: 1418748). Algorithms developed to predict the effect of missense changes on protein structure and function (SIFT, PolyPhen-2, Align-GVGD) all suggest that this variant is likely to be tolerated. In summary, the available evidence is currently insufficient to determine the role of this variant in disease. Therefore, it has been classified as a Variant of Uncertain Significance.